The following is an entry in ClinVar:

NM_004006.3(DMD):c.9287C>T (p.Ala3096Val)

Gene: DMD (dystrophin; minus strand). Cytogenetic location: Xp21.2.
Variant type: single nucleotide variant.
Coding change: c.9287C>T on transcript NM_004006.3 (MANE Select); coding-DNA position 9287, C replaced by T.
Protein change: p.Ala3096Val; replaces alanine 3096 with valine.
Molecular consequence: missense variant.
Genome position (GRCh38, 1-based): chrX:31,223,121, G>A on the plus strand (C>T on the coding strand, the complement: DMD is on the minus strand). VCF-style: chrX-31223121-G-A. GRCh37 (hg19) VCF-style: chrX-31241238-G-A.
Other names: c.9263C>T, p.Ala3088Val (NM_000109.4); c.9275C>T, p.Ala3092Val (NM_004009.3); c.8918C>T, p.Ala2973Val (NM_004010.3); c.5264C>T, p.Ala1755Val (NM_004011.4); c.5255C>T, p.Ala1752Val (NM_004012.4); c.1907C>T, p.Ala636Val (NM_004013.3, NM_004020.4, NM_004021.3 and 2 more transcripts); c.1100C>T, p.Ala367Val (NM_004014.3); c.83C>T, p.Ala28Val (NM_004015.3, NM_004016.3, NM_004017.3 and 2 more transcripts); short protein forms A1752V, A1755V, A28V, A2973V, A3088V, A3092V, A3096V, A367V.
Identifiers: ClinVar variation 3903412 (VCV003903412.1).

ClinVar aggregate classification (germline): Uncertain significance (1 of 4 stars; one submission).

Submission:

GeneDx
Classification: Uncertain significance. Last evaluated: 2024-12-11. Review status: criteria provided, single submitter. Criteria: GeneDx Variant Classification Process June 2021. Collection method: clinical testing. Allele origin: germline. Affected: yes.
Comment: Not observed at significant frequency in large population cohorts (gnomAD); In silico analysis supports that this missense variant has a deleterious effect on protein structure/function; Has not been previously published as pathogenic or benign to our knowledge